The following is an entry in ClinVar:

ClinVar aggregate classification (germline): Likely benign. Review status: criteria provided, multiple submitters, no conflicts (2 of 4 stars). 2 submissions from 2 submitters: Likely benign (2). Last evaluated 2025-09-20.

Conditions:
DMXL2-related disorder. Also called: DMXL2-related condition.

Allele frequency attached by ClinVar (database versions not stated): gnomAD 0.00003; TOPMed 0.00003; ExAC 0.00004; ESP Exome Variant Server 0.00008; gnomAD exomes 0.00012.
gnomAD v4.1: 162 of 1,575,216 alleles (0.01%); highest among the groups gnomAD compares: Non-Finnish European, 0.014%; no homozygotes.

Submissions (2):

PreventionGenetics, part of Exact Sciences
Classification: Likely benign for DMXL2-related condition. Last evaluated: 2025-09-20. Review status: criteria provided, single submitter. Criteria: ACMG Guidelines, 2015. Collection method: clinical testing. Allele origin: germline.
Comment: This variant is classified as likely benign based on ACMG/AMP sequence variant interpretation guidelines (Richards et al. 2015 PMID: 25741868, with internal and published modifications).

CeGaT Center for Human Genetics Tuebingen
Classification: Likely benign. Last evaluated: 2023-03-01. Review status: criteria provided, single submitter. Criteria: CeGaT Center For Human Genetics Tuebingen Variant Classification Criteria Version 2. Collection method: clinical testing. Allele origin: germline. Affected: yes. Observed: 1 variant allele.
Comment: DMXL2: BP4, BP7

NM_001378457.1(DMXL2):c.2313A>G (p.Leu771=)

Gene: DMXL2 (Dmx like 2; minus strand). Cytogenetic location: 15q21.2.
Variant type: single nucleotide variant.
Coding change: c.2313A>G on transcript NM_001378457.1 (MANE Select); coding-DNA position 2313, A replaced by G.
Protein change: p.Leu771=; no amino-acid change (leucine 771 retained).
Molecular consequence: synonymous variant. On other transcripts: non-coding transcript variant (2).
Genome position (GRCh38, 1-based): chr15:51,536,167, T>C on the plus strand (A>G on the coding strand, the complement: DMXL2 is on the minus strand). VCF-style: chr15-51536167-T-C. GRCh37 (hg19) VCF-style: chr15-51828364-T-C.
Other names: c.2313A>G, p.Leu771= (NM_001174116.3, NM_001174117.3, NM_001378458.1 and 6 more transcripts); c.2073A>G, p.Leu691= (NM_001378464.1); c.2313A>G (NM_001174116.1).
Identifiers: ClinVar variation 2645346 (VCV002645346.25), dbSNP rs373132630, ClinGen allele CA7562418.